The following is an entry in ClinVar:

NM_001273.5(CHD4):c.1710G>A (p.Met570Ile)

Gene: CHD4 (chromodomain helicase DNA binding protein 4; minus strand). Cytogenetic location: 12p13.31.
Variant type: single nucleotide variant.
Coding change: c.1710G>A on transcript NM_001273.5 (MANE Select); coding-DNA position 1710, G replaced by A.
Protein change: p.Met570Ile; replaces methionine 570 with isoleucine.
Molecular consequence: missense variant.
Genome position (GRCh38, 1-based): chr12:6,598,076, C>T on the plus strand (G>A on the coding strand, the complement: CHD4 is on the minus strand). VCF-style: chr12-6598076-C-T. GRCh37 (hg19) VCF-style: chr12-6707242-C-T.
Other names: c.1689G>A, p.Met563Ile (NM_001297553.2); c.1671G>A, p.Met557Ile (NM_001363606.2); short protein forms M557I, M570I, M563I.
Identifiers: ClinVar variation 4997290 (VCV004997290.1).
Genomic context (GRCh38, chr12:6,598,076, plus strand): 5'-ACCACCAAAGTCCCCAGAAGGTGGCTCATCCATATCATTCTTCCGCTGATAGTTTCGGAA[C>T]ATCACCTGACAGTGCAGCTCCAGCTTTGAGCGGAAAGAGAAAATCAGCCACCAAGAAGCT-3'
Protein context (NP_001264.2, residues 560-580): ELQLELHCQV[Met570Ile]FRNYQRKNDM

ClinVar aggregate classification (germline): Uncertain significance (1 of 4 stars; one submission).

Conditions:
CHD4-related disorder. Also called: CHD4-related condition.

Submission:

PreventionGenetics, part of Exact Sciences
Classification: Uncertain significance for CHD4-related condition. Last evaluated: 2025-08-04. Review status: criteria provided, single submitter. Criteria: ACMG Guidelines, 2015. Collection method: clinical testing. Allele origin: germline.
Comment: The CHD4 c.1710G>A variant is predicted to result in the amino acid substitution p.Met570Ile. To our knowledge, this variant has not been reported in the literature or in a large population database (gnomAD), indicating this variant is rare. At this time, the clinical significance of this variant is uncertain due to the absence of conclusive functional and genetic evidence.